The following is an entry in ClinVar:

NM_000057.4(BLM):c.1589T>C (p.Val530Ala)

Gene: BLM (BLM RecQ like helicase; plus strand). Cytogenetic location: 15q26.1.
Variant type: single nucleotide variant.
Coding change: c.1589T>C on transcript NM_000057.4 (MANE Select); coding-DNA position 1589, T replaced by C.
Protein change: p.Val530Ala; replaces valine 530 with alanine.
Molecular consequence: missense variant.
Genome position (GRCh38, 1-based): chr15:90,760,962, T>C. VCF-style: chr15-90760962-T-C. GRCh37 (hg19) VCF-style: chr15-91304192-T-C.
Other names: c.1589T>C, p.Val530Ala (NM_001287246.2, NM_001287247.2); c.464T>C, p.Val155Ala (NM_001287248.2); short protein forms V530A, V155A.
Identifiers: ClinVar variation 1448501 (VCV001448501.7), dbSNP rs2151158554, ClinGen allele CA393843390.

ClinVar aggregate classification (germline): Uncertain significance. Review status: criteria provided, multiple submitters, no conflicts (2 of 4 stars). 3 submissions from 3 submitters: Uncertain significance (3). Last evaluated 2024-11-27.

Conditions:
Hereditary cancer-predisposing syndrome. Also called: Hereditary Cancer Syndrome; Hereditary neoplastic syndrome; Neoplastic Syndromes, Hereditary; Tumor predisposition. Identifiers: Orphanet 140162, MedGen C0027672, MeSH D009386, MONDO:0015356.
Bloom syndrome (BLM). Also called: Bloom-Torre-Machacek syndrome. Identifiers: Orphanet 125, MedGen C0005859, MONDO:0008876, OMIM 210900.

gnomAD v4.1: 2 of 1,614,098 alleles (0.00012%); no homozygotes.

Submissions (3):

Labcorp Genetics (formerly Invitae), Labcorp
Classification: Uncertain significance for Bloom syndrome. Last evaluated: 2024-11-27. Review status: criteria provided, single submitter. Criteria: Invitae Variant Classification Sherloc (09022015). Collection method: clinical testing. Allele origin: germline.
Comment: This sequence change replaces valine, which is neutral and non-polar, with alanine, which is neutral and non-polar, at codon 530 of the BLM protein (p.Val530Ala). This variant is not present in population databases (gnomAD no frequency). This variant has not been reported in the literature in individuals affected with BLM-related conditions. ClinVar contains an entry for this variant (Variation ID: 1448501). Invitae Evidence Modeling of protein sequence and biophysical properties (such as structural, functional, and spatial information, amino acid conservation, physicochemical variation, residue mobility, and thermodynamic stability) indicates that this missense variant is not expected to disrupt BLM protein function with a negative predictive value of 80%. In summary, the available evidence is currently insufficient to determine the role of this variant in disease. Therefore, it has been classified as a Variant of Uncertain Significance.

Ambry Genetics
Classification: Uncertain significance for Hereditary cancer-predisposing syndrome. Last evaluated: 2024-07-05. Review status: criteria provided, single submitter. Criteria: Ambry Variant Classification Scheme 2023. Collection method: clinical testing. Allele origin: germline.
Comment: The p.V530A variant (also known as c.1589T>C), located in coding exon 6 of the BLM gene, results from a T to C substitution at nucleotide position 1589. The valine at codon 530 is replaced by alanine, an amino acid with similar properties. This amino acid position is conserved. In addition, this alteration is predicted to be tolerated by in silico analysis. Based on the available evidence, the clinical significance of this variant remains unclear.

Sema4
Classification: Uncertain significance for Hereditary cancer-predisposing syndrome. Last evaluated: 2021-10-11. Review status: criteria provided, single submitter. Criteria: Sema4 Curation Guidelines. Collection method: curation. Allele origin: germline.
Comment: The BLM c.1589T>C (p.V530A) variant has not been reported in the literature to our knowledge. This variant is not reported in the population database Genome Aggregation Database (PMID: 32461654), nor in ClinVar. In silico tools suggest the impact of the variant on protein function is benign, though these predictions have not been confirmed by functional studies. The evidence is insufficient to meet ACMG/AMP criteria for classifying the variant as benign or pathogenic. Thus, the clinical significance of this variant is currently uncertain.